The following is an entry in ClinVar:

ClinVar aggregate classification (germline): Uncertain significance (1 of 4 stars; one submission).

Conditions:
Primary ciliary dyskinesia. Also called: Ciliary dyskinesia. Identifiers: Orphanet 244, MedGen C0008780, MONDO:0016575, HP:0012265.

Submission:

Labcorp Genetics (formerly Invitae), Labcorp
Classification: Uncertain significance for Primary ciliary dyskinesia. Last evaluated: 2025-10-07. Review status: criteria provided, single submitter. Criteria: Invitae Variant Classification Sherloc (09022015). Collection method: clinical testing. Allele origin: germline.
Comment: This sequence change replaces serine, which is neutral and polar, with tyrosine, which is neutral and polar, at codon 344 of the RPGR protein (p.Ser344Tyr). This variant is not present in population databases (gnomAD no frequency). This variant has not been reported in the literature in individuals affected with RPGR-related conditions. Invitae Evidence Modeling of protein sequence and biophysical properties (such as structural, functional, and spatial information, amino acid conservation, physicochemical variation, residue mobility, and thermodynamic stability) indicates that this missense variant is not expected to disrupt RPGR protein function with a negative predictive value of 95%. In summary, the available evidence is currently insufficient to determine the role of this variant in disease. Therefore, it has been classified as a Variant of Uncertain Significance.

NM_001034853.2(RPGR):c.1031C>A (p.Ser344Tyr)

Gene: RPGR (retinitis pigmentosa GTPase regulator; minus strand). Cytogenetic location: Xp11.4.
Variant type: single nucleotide variant.
Coding change: c.1031C>A on transcript NM_001034853.2 (MANE Select); coding-DNA position 1031, C replaced by A.
Protein change: p.Ser344Tyr; replaces serine 344 with tyrosine.
Molecular consequence: missense variant. On other transcripts: non-coding transcript variant (6).
Genome position (GRCh38, 1-based): chrX:38,301,275, G>T on the plus strand (C>A on the coding strand, the complement: RPGR is on the minus strand). VCF-style: chrX-38301275-G-T. GRCh37 (hg19) VCF-style: chrX-38160528-G-T.
Other names: c.1031C>A, p.Ser344Tyr (NM_000328.3, NM_001367246.1, NM_001367247.1 and 1 more transcripts); c.1028C>A, p.Ser343Tyr (NM_001367245.1, NM_001367249.1, NM_001367250.1); c.1061C>A, p.Ser354Tyr (NM_001367248.1); short protein forms S354Y, S343Y, S344Y.
Identifiers: ClinVar variation 4746271 (VCV004746271.1).